The following is an entry in ClinVar:

NM_020708.5(SLC12A5):c.109G>C (p.Gly37Arg)

Gene: SLC12A5 (solute carrier family 12 member 5; plus strand). Cytogenetic location: 20q13.12.
Variant type: single nucleotide variant.
Coding change: c.109G>C on transcript NM_020708.5 (MANE Select); coding-DNA position 109, G replaced by C.
Protein change: p.Gly37Arg; replaces glycine 37 with arginine.
Molecular consequence: missense variant.
Genome position (GRCh38, 1-based): chr20:46,035,004, G>C. VCF-style: chr20-46035004-G-C. GRCh37 (hg19) VCF-style: chr20-44663643-G-C.
Other names: c.178G>C, p.Gly60Arg (NM_001134771.2); short protein forms G60R, G37R.
Identifiers: ClinVar variation 2121982 (VCV002121982.4), dbSNP rs2515631596, ClinGen allele CA409186972.

ClinVar aggregate classification (germline): Uncertain significance (1 of 4 stars; one submission).

Conditions:
Developmental and epileptic encephalopathy, 34 (DEE34). Also called: SLC12A5-Related Epilepsy of Infancy with Migrating Focal Seizures; Early infantile epileptic encephalopathy 34. Identifiers: Orphanet 293181, MedGen C4225257, MONDO:0014718, OMIM 616645.

Submission:

Labcorp Genetics (formerly Invitae), Labcorp
Classification: Uncertain significance for Developmental and epileptic encephalopathy, 34. Last evaluated: 2022-02-20. Review status: criteria provided, single submitter. Criteria: Invitae Variant Classification Sherloc (09022015). Collection method: clinical testing. Allele origin: germline.
Comment: In summary, the available evidence is currently insufficient to determine the role of this variant in disease. Therefore, it has been classified as a Variant of Uncertain Significance. Advanced modeling of protein sequence and biophysical properties (such as structural, functional, and spatial information, amino acid conservation, physicochemical variation, residue mobility, and thermodynamic stability) performed at Invitae indicates that this missense variant is not expected to disrupt SLC12A5 protein function. This variant has not been reported in the literature in individuals affected with SLC12A5-related conditions. This variant is not present in population databases (gnomAD no frequency). This sequence change replaces glycine, which is neutral and non-polar, with arginine, which is basic and polar, at codon 37 of the SLC12A5 protein (p.Gly37Arg).